The following is an entry in ClinVar:

ClinVar aggregate classification (germline): Uncertain significance. Review status: criteria provided, multiple submitters, no conflicts (2 of 4 stars). 3 submissions from 3 submitters: Uncertain significance (3). Last evaluated 2025-06-18.

Conditions:
Autosomal recessive hypophosphatemic bone disease (HHRH). Also called: HYPERCALCIURIC RICKETS; Hypophosphatemic rickets with hypercalciuria. Identifiers: Orphanet 157215, MedGen C1853271, MONDO:0009431, OMIM 241530.

Allele frequency attached by ClinVar (database versions not stated): gnomAD 0.00003; gnomAD exomes 0.00003; TOPMed 0.00003.

Submissions (3):

GeneDx
Classification: Uncertain significance. Last evaluated: 2025-06-18. Review status: criteria provided, single submitter. Criteria: GeneDx Variant Classification Process June 2021. Collection method: clinical testing. Allele origin: germline. Affected: yes.
Comment: Not observed at significant frequency in large population cohorts (gnomAD); In silico analysis suggests that this missense variant does not alter protein structure/function; Has not been previously published as pathogenic or benign to our knowledge

Fulgent Genetics
Classification: Uncertain significance for Autosomal recessive hypophosphatemic bone disease. Last evaluated: 2024-05-07. Review status: criteria provided, single submitter. Criteria: ACMG Guidelines, 2015. Collection method: clinical testing. Allele origin: germline.

Labcorp Genetics (formerly Invitae), Labcorp
Classification: Uncertain significance. Last evaluated: 2022-03-19. Review status: criteria provided, single submitter. Criteria: Invitae Variant Classification Sherloc (09022015). Collection method: clinical testing. Allele origin: germline.
Comment: This sequence change replaces isoleucine, which is neutral and non-polar, with valine, which is neutral and non-polar, at codon 422 of the SLC34A3 protein (p.Ile422Val). This variant is present in population databases (no rsID available, gnomAD 0.0009%). This variant has not been reported in the literature in individuals affected with SLC34A3-related conditions. Algorithms developed to predict the effect of missense changes on protein structure and function output the following: SIFT: "Tolerated"; PolyPhen-2: "Possibly Damaging"; Align-GVGD: "Class C0". The valine amino acid residue is found in multiple mammalian species, which suggests that this missense change does not adversely affect protein function. In summary, the available evidence is currently insufficient to determine the role of this variant in disease. Therefore, it has been classified as a Variant of Uncertain Significance.

NM_001177316.2(SLC34A3):c.1264A>G (p.Ile422Val)

Gene: SLC34A3 (solute carrier family 34 member 3; plus strand). Cytogenetic location: 9q34.3.
Variant type: single nucleotide variant.
Coding change: c.1264A>G on transcript NM_001177316.2 (MANE Select); coding-DNA position 1264, A replaced by G.
Protein change: p.Ile422Val; replaces isoleucine 422 with valine.
Molecular consequence: missense variant.
Genome position (GRCh38, 1-based): chr9:137,234,660, A>G. VCF-style: chr9-137234660-A-G. GRCh37 (hg19) VCF-style: chr9-140129112-A-G.
Other names: c.1264A>G, p.Ile422Val (NM_001177317.2, NM_080877.3); c.1264A>G (NM_080877.2); short protein forms I422V.
Identifiers: ClinVar variation 1982663 (VCV001982663.3), dbSNP rs1045603180, ClinGen allele CA201697098.
Genomic context (GRCh38, chr9:137,234,660, plus strand): 5'-CCCCCAGGGGTCGGGGTGATCAGTCTGGACCGGGCGTACCCCCTCTTACTGGGCTCCAAC[A>G]TCGGCACCACTACCACAGCCCTGCTGGCTGCCCTGGCCAGCCCCGCAGACAGGATGCTCA-3'
Protein context (NP_001170787.2, residues 412-432): RAYPLLLGSN[Ile422Val]GTTTTALLAA